The following is an entry in ClinVar:

ClinVar aggregate classification (germline): Uncertain significance (1 of 4 stars; one submission).

Conditions:
Osteogenesis imperfecta type 8 (OI8). Identifiers: MedGen C1970458, MONDO:0012581, OMIM 610915.

Allele frequency attached by ClinVar (database versions not stated): gnomAD 0.00001.
gnomAD v4.1: 1 of 1,613,894 alleles (0.000062%); highest among the groups gnomAD compares: Non-Finnish European, 0.000085%; no homozygotes.

Submission:

Labcorp Genetics (formerly Invitae), Labcorp
Classification: Uncertain significance for Osteogenesis imperfecta type 8. Last evaluated: 2021-01-08. Review status: criteria provided, single submitter. Criteria: Invitae Variant Classification Sherloc (09022015). Collection method: clinical testing. Allele origin: germline.
Comment: In summary, the available evidence is currently insufficient to determine the role of this variant in disease. Therefore, it has been classified as a Variant of Uncertain Significance. Algorithms developed to predict the effect of missense changes on protein structure and function are either unavailable or do not agree on the potential impact of this missense change (SIFT: "Deleterious"; PolyPhen-2: "Benign"; Align-GVGD: "Class C0"). This variant has not been reported in the literature in individuals with P3H1-related conditions. This variant is not present in population databases (ExAC no frequency). This sequence change replaces arginine with glycine at codon 292 of the P3H1 protein (p.Arg292Gly). The arginine residue is highly conserved and there is a moderate physicochemical difference between arginine and glycine.

NM_022356.4(P3H1):c.874C>G (p.Arg292Gly)

Gene: P3H1 (prolyl 3-hydroxylase 1; minus strand). Cytogenetic location: 1p34.2.
Variant type: single nucleotide variant.
Coding change: c.874C>G on transcript NM_022356.4 (MANE Select); coding-DNA position 874, C replaced by G.
Protein change: p.Arg292Gly; replaces arginine 292 with glycine.
Molecular consequence: missense variant.
Genome position (GRCh38, 1-based): chr1:42,758,918, G>C on the plus strand (C>G on the coding strand, the complement: P3H1 is on the minus strand). VCF-style: chr1-42758918-G-C. GRCh37 (hg19) VCF-style: chr1-43224589-G-C.
Other names: c.874C>G, p.Arg292Gly (NM_001146289.2, NM_001243246.2); short protein forms R292G.
Identifiers: ClinVar variation 1397200 (VCV001397200.8), dbSNP rs773269078, ClinGen allele CA339959468.